The following is an entry in ClinVar:

ClinVar aggregate classification (germline): Uncertain significance (1 of 4 stars; one submission).

Conditions:
Nemaline myopathy 2 (NEM2). Also called: Nemaline myopathy 2, autosomal recessive. Identifiers: MedGen C1850569, MONDO:0009725, OMIM 256030.

Submission:

Labcorp Genetics (formerly Invitae), Labcorp
Classification: Uncertain significance for Nemaline myopathy 2. Last evaluated: 2020-08-02. Review status: criteria provided, single submitter. Criteria: Invitae Variant Classification Sherloc (09022015). Collection method: clinical testing. Allele origin: germline.
Comment: This sequence change replaces lysine with glutamic acid at codon 1866 of the NEB protein (p.Lys1866Glu). The lysine residue is moderately conserved and there is a small physicochemical difference between lysine and glutamic acid. This variant is not present in population databases (ExAC no frequency). This variant has not been reported in the literature in individuals with NEB-related conditions. Algorithms developed to predict the effect of missense changes on protein structure and function are either unavailable or do not agree on the potential impact of this missense change (SIFT: "Deleterious"; PolyPhen-2: "Not Available"; Align-GVGD: "Class C0"). In summary, the available evidence is currently insufficient to determine the role of this variant in disease. Therefore, it has been classified as a Variant of Uncertain Significance.

NM_001164508.2(NEB):c.5596A>G (p.Lys1866Glu)

Gene: NEB (nebulin; minus strand). Cytogenetic location: 2q23.3.
Variant type: single nucleotide variant.
Coding change: c.5596A>G on transcript NM_001164508.2 (MANE Select); coding-DNA position 5596, A replaced by G.
Protein change: p.Lys1866Glu; replaces lysine 1866 with glutamic acid.
Molecular consequence: missense variant.
Genome position (GRCh38, 1-based): chr2:151,663,715, T>C on the plus strand (A>G on the coding strand, the complement: NEB is on the minus strand). VCF-style: chr2-151663715-T-C. GRCh37 (hg19) VCF-style: chr2-152520229-T-C.
Other names: c.5596A>G, p.Lys1866Glu (NM_001164507.2, NM_001271208.2, NM_004543.5); short protein forms K1866E.
Identifiers: ClinVar variation 1985485 (VCV001985485.1), dbSNP rs2552256188, ClinGen allele CA348808322.